The following is an entry in ClinVar:

NM_201548.5(CERKL):c.98T>G (p.Leu33Ter)

Gene: CERKL (CERK like autophagy regulator; minus strand). Cytogenetic location: 2q31.3.
Variant type: single nucleotide variant.
Coding change: c.98T>G on transcript NM_201548.5 (MANE Select); coding-DNA position 98, T replaced by G.
Protein change: p.Leu33Ter; replaces leucine 33 with a stop codon.
Molecular consequence: nonsense. On other transcripts: non-coding transcript variant (2).
Genome position (GRCh38, 1-based): chr2:181,656,909, A>C on the plus strand (T>G on the coding strand, the complement: CERKL is on the minus strand). VCF-style: chr2-181656909-A-C. GRCh37 (hg19) VCF-style: chr2-182521636-A-C.
Other names: c.98T>G, p.Leu33Ter (NM_001030311.3, NM_001030312.3, NM_001030313.3 and 1 more transcripts); short protein forms L33*.
Identifiers: ClinVar variation 839961 (VCV000839961.12), dbSNP rs769632183, ClinGen allele CA2010953.
Genomic context (GRCh38, chr2:181,656,909, plus strand): 5'-TCGAAGATGCCCCGGAGCAGAATCCGCTCGGCCGCCGCCTCCGTCTGCTGCGGGGACGTT[A>C]ACAGCGCCGGAGGCACAGCGGCAGCCTCCGGGGGCGCCTCTTCCTCCCGGCCGCCCTCCA-3'

ClinVar aggregate classification (germline): Pathogenic/Likely pathogenic. Review status: criteria provided, multiple submitters, no conflicts (2 of 4 stars). 5 submissions from 5 submitters: Pathogenic (2); Likely pathogenic (3). Last evaluated 2026-08-19.

Conditions:
Retinitis pigmentosa 26 (RP26). Identifiers: Orphanet 791, MedGen C1842127, MONDO:0012024, OMIM 608380.
CERKL-related disorders.
Retinitis pigmentosa (RP). Identifiers: Orphanet 791, MedGen C0035334, MeSH D012174, MONDO:0019200, OMIM 268000. Inheritance: Autosomal dominant, autosomal recessive and X linked inheritance.

Allele frequency attached by ClinVar (database versions not stated): gnomAD exomes below 0.00001 and 0.00002; ExAC 0.00001.
gnomAD v4.1: 21 of 1,603,244 alleles (0.0013%); highest among the groups gnomAD compares: Non-Finnish European, 0.0018%; no homozygotes.

Submissions (5):

Myriad Genetics, Inc.
Classification: Pathogenic for Retinitis pigmentosa 26. Last evaluated: 2026-08-19. Review status: criteria provided, single submitter. Criteria: Myriad Autosomal Dominant, Autosomal Recessive and X-Linked Classification Criteria (2023). Collection method: clinical testing. Allele origin: unknown.
Comment: NM_001030311.2(CERKL):c.98T>G(L33*) is a nonsense variant classified as pathogenic in the context of retinitis pigmentosa, CERKL-related. L33* has not been observed in cases with relevant disease. Relevant functional assessments of this variant are not available in the literature. L33* has been observed in referenced population frequency databases. In summary, NM_001030311.2(CERKL):c.98T>G(L33*) is a nonsense variant in a gene where loss of function is a known mechanism of disease and is predicted to disrupt protein function. Please note: this variant was assessed in the context of healthy population screening.

Labcorp Genetics (formerly Invitae), Labcorp
Classification: Pathogenic. Last evaluated: 2026-01-26. Review status: criteria provided, single submitter. Criteria: Invitae Variant Classification Sherloc (09022015). Collection method: clinical testing. Allele origin: germline.
Comment: This sequence change creates a premature translational stop signal (p.Leu33*) in the CERKL gene. It is expected to result in an absent or disrupted protein product. Loss-of-function variants in CERKL are known to be pathogenic (PMID: 14681825, 23591405, 24043777). This variant is present in population databases (rs769632183, gnomAD 0.002%). This variant has not been reported in the literature in individuals affected with CERKL-related conditions. ClinVar contains an entry for this variant (Variation ID: 839961). For these reasons, this variant has been classified as Pathogenic.

Fulgent Genetics
Classification: Likely pathogenic for Retinitis pigmentosa 26. Last evaluated: 2024-06-04. Review status: criteria provided, single submitter. Criteria: ACMG Guidelines, 2015. Collection method: clinical testing. Allele origin: germline.

Blueprint Genetics
Classification: Likely pathogenic for CERKL-related disorders. Last evaluated: 2022-08-10. Review status: criteria provided, single submitter. Criteria: ACMG Guidelines, 2015. Collection method: clinical testing. Allele origin: germline. Affected: yes. Observed: 3 variant alleles.

Women's Health and Genetics/Laboratory Corporation of America, LabCorp
Classification: Likely pathogenic for Retinitis pigmentosa. Last evaluated: 2022-04-21. Review status: criteria provided, single submitter. Criteria: LabCorp Variant Classification Summary - May 2015. Collection method: clinical testing. Allele origin: germline.
Comment: Variant summary: CERKL c.98T>G (p.Leu33X) results in a premature termination codon, predicted to cause a truncation of the encoded protein or absence of the protein due to nonsense mediated decay, which are commonly known mechanisms for disease. Truncations downstream of this position have been classified as pathogenic within ClinVar (e.g. c.109C>T|p.Gln37Ter; c.193G>T|p.Glu65Ter). The variant allele was found at a frequency of 4.3e-06 in 234540 control chromosomes (gnomAD). To our knowledge, no occurrence of c.98T>G in individuals affected with Retinitis Pigmentosa and no experimental evidence demonstrating its impact on protein function have been reported. Two ClinVar submitters have assessed this variant since 2014: one classified the variant as likely pathogenic and one as pathogenic. Based on the evidence outlined above, the variant was classified as likely pathogenic.

Literature cited by the submitters: PubMed 14681825 (cited by Labcorp Genetics (formerly Invitae), Labcorp); PubMed 23591405 (cited by Labcorp Genetics (formerly Invitae), Labcorp); PubMed 24043777 (cited by Labcorp Genetics (formerly Invitae), Labcorp).